The following is an entry in ClinVar:

NM_000159.4(GCDH):c.401A>T (p.Asp134Val)

Gene: GCDH (glutaryl-CoA dehydrogenase; plus strand). Cytogenetic location: 19p13.13.
Variant type: single nucleotide variant.
Coding change: c.401A>T on transcript NM_000159.4 (MANE Select); coding-DNA position 401, A replaced by T.
Protein change: p.Asp134Val; replaces aspartic acid 134 with valine.
Molecular consequence: missense variant. On other transcripts: non-coding transcript variant (2).
Genome position (GRCh38, 1-based): chr19:12,893,549, A>T. VCF-style: chr19-12893549-A-T. GRCh37 (hg19) VCF-style: chr19-13004363-A-T.
Other names: c.401A>T, p.Asp134Val (NM_013976.5); short protein forms D134V.
Identifiers: ClinVar variation 971032 (VCV000971032.7), dbSNP rs1970604130, ClinGen allele CA404317469.
Genomic context (GRCh38, chr19:12,893,549, plus strand): 5'-GCTGTGCTGGGGTTTCGTCTGTGGCCTATGGGCTCCTGGCCCGAGAGCTGGAGCGGGTGG[A>T]CAGTGGCTACAGGTCGGCGATGAGTGTCCAGTCCTCCCTCGTCATGCACCCTATCTATGC-3'
Protein context (NP_000150.1, residues 124-144): GLLARELERV[Asp134Val]SGYRSAMSVQ

ClinVar aggregate classification (germline): Uncertain significance. Review status: criteria provided, multiple submitters, no conflicts (2 of 4 stars). 2 submissions from 2 submitters: Uncertain significance (2). Last evaluated 2021-09-01.

Conditions:
Glutaric aciduria, type 1. Also called: Glutaryl-CoA dehydrogenase deficiency; Glutaric Acidemia Type 1; GA I; Glutaric acidemia type I; Glutaricacidemia Type 1; Glutaricaciduria, type I. Identifiers: Orphanet 25, MedGen C0268595, MONDO:0009281, OMIM 231670.

Submissions (2):

Labcorp Genetics (formerly Invitae), Labcorp
Classification: Uncertain significance for Glutaric aciduria, type 1. Last evaluated: 2021-09-01. Review status: criteria provided, single submitter. Criteria: Invitae Variant Classification Sherloc (09022015). Collection method: clinical testing. Allele origin: germline.

GeneDx
Classification: Uncertain significance. Last evaluated: 2019-12-23. Review status: criteria provided, single submitter. Criteria: GeneDx Variant Classification Process June 2021. Collection method: clinical testing. Allele origin: germline. Affected: yes.
Comment: Has not been previously published as pathogenic or benign to our knowledge; In silico analysis, which includes protein predictors and evolutionary conservation, supports a deleterious effect; Not observed in large population cohorts (Lek et al., 2016)